The following is an entry in ClinVar:

ClinVar aggregate classification (germline): Uncertain significance. Review status: criteria provided, multiple submitters, no conflicts (2 of 4 stars). 2 submissions from 2 submitters: Uncertain significance (2). Last evaluated 2024-12-29.

Conditions:
Inborn genetic diseases. Identifiers: MedGen C0950123, MeSH D030342.
Fanconi anemia (FA). Also called: Fanconi's anemia. Identifiers: Orphanet 84, MedGen C0015625, MeSH D005199, MONDO:0019391.

Submissions (2):

Ambry Genetics
Classification: Uncertain significance for Inborn genetic diseases. Last evaluated: 2024-12-29. Review status: criteria provided, single submitter. Criteria: Ambry Variant Classification Scheme 2023. Collection method: clinical testing. Allele origin: germline.
Comment: The p.V888L variant (also known as c.2662G>C), located in coding exon 28 of the FANCA gene, results from a G to C substitution at nucleotide position 2662. The valine at codon 888 is replaced by leucine, an amino acid with highly similar properties. This amino acid position is conserved. In addition, this alteration is predicted to be tolerated by in silico analysis. Based on the available evidence, the clinical significance of this variant remains unclear.

Labcorp Genetics (formerly Invitae), Labcorp
Classification: Uncertain significance for Fanconi anemia. Last evaluated: 2021-08-27. Review status: criteria provided, single submitter. Criteria: Invitae Variant Classification Sherloc (09022015). Collection method: clinical testing. Allele origin: germline.
Comment: In summary, the available evidence is currently insufficient to determine the role of this variant in disease. Therefore, it has been classified as a Variant of Uncertain Significance. Advanced modeling of protein sequence and biophysical properties (such as structural, functional, and spatial information, amino acid conservation, physicochemical variation, residue mobility, and thermodynamic stability) performed at Invitae indicates that this missense variant is not expected to disrupt FANCA protein function. This variant has not been reported in the literature in individuals affected with FANCA-related conditions. This variant is not present in population databases (ExAC no frequency). This sequence change replaces valine with leucine at codon 888 of the FANCA protein (p.Val888Leu). The valine residue is weakly conserved and there is a small physicochemical difference between valine and leucine.

NM_000135.4(FANCA):c.2662G>C (p.Val888Leu)

Genes: FANCA (FA complementation group A; minus strand), LOC130059837 (ATAC-STARR-seq lymphoblastoid active region 11420; plus strand). Cytogenetic location: 16q24.3.
Variant type: single nucleotide variant.
Coding change: c.2662G>C on transcript NM_000135.4 (MANE Select); coding-DNA position 2662, G replaced by C.
Protein change: p.Val888Leu; replaces valine 888 with leucine.
Molecular consequence: missense variant.
Genome position (GRCh38, 1-based): chr16:89,765,006, C>G on the plus strand (G>C on the coding strand, the complement: FANCA is on the minus strand). VCF-style: chr16-89765006-C-G. GRCh37 (hg19) VCF-style: chr16-89831414-C-G.
Other names: c.2662G>C (NM_000135.2); c.2662G>C, p.Val888Leu (NM_001286167.3); short protein forms V888L.
Identifiers: ClinVar variation 1497574 (VCV001497574.7), dbSNP rs774863156, ClinGen allele CA397438623.